The following is an entry in ClinVar:

NM_021830.5(TWNK):c.1462_1463del (p.Phe488fs)

Gene: TWNK (twinkle mtDNA helicase; plus strand). Cytogenetic location: 10q24.31.
Variant type: Deletion.
Coding change: c.1462_1463del on transcript NM_021830.5 (MANE Select); coding-DNA positions 1462 to 1463, 2 bases deleted (TT; older notation c.1462_1463delTT).
Protein change: p.Phe488fs; shifts the reading frame from phenylalanine 488.
Molecular consequence: frameshift variant. On other transcripts: non-coding transcript variant (5).
Genome position (GRCh38, 1-based): chr10:100,989,862-100,989,863, TT deleted; deleting any 2 consecutive bases within chr10:100,989,861-100,989,863 gives the same sequence; the c. name uses the placement nearest the transcript's 3' end. VCF-style (leftmost placement, unchanged base first): chr10-100989860-CTT-C. GRCh37 (hg19) VCF-style: chr10-102749617-CTT-C.
Other names: c.1462_1463del, p.Phe488fs (NM_001163812.2); c.100_101del, p.Phe34fs (NM_001163813.2, NM_001163814.2, NM_001368275.1); c.1462_1463delTT (NM_021830.4); c.1462_1463del (NM_021830.4); short protein forms F34fs, F488fs.
Identifiers: ClinVar variation 214190 (VCV000214190.9), dbSNP rs863223925, ClinGen allele CA323294.

ClinVar aggregate classification (germline): Pathogenic. Review status: criteria provided, multiple submitters, no conflicts (2 of 4 stars). 2 submissions from 2 submitters: Pathogenic (2). Last evaluated 2025-10-01.

Submissions (2):

GeneDx
Classification: Pathogenic. Last evaluated: 2025-10-01. Review status: criteria provided, single submitter. Criteria: GeneDx Variant Classification Process June 2021. Collection method: clinical testing. Allele origin: germline. Affected: yes.
Comment: Not observed at significant frequency in large population cohorts (gnomAD); Frameshift variant predicted to result in protein truncation or nonsense mediated decay in a gene for which loss of function is a known mechanism of disease; This variant is associated with the following publications: (PMID: 26633542)

Labcorp Genetics (formerly Invitae), Labcorp
Classification: Pathogenic. Last evaluated: 2021-09-02. Review status: criteria provided, single submitter. Criteria: Invitae Variant Classification Sherloc (09022015). Collection method: clinical testing. Allele origin: germline.
Comment: This sequence change creates a premature translational stop signal (p.Phe488Profs*21) in the TWNK gene. It is expected to result in an absent or disrupted protein product. Loss-of-function variants in TWNK are known to be pathogenic (PMID: 21681116, 27551684, 31455392). This variant is not present in population databases (ExAC no frequency). This premature translational stop signal has been observed in individual(s) with abnormality of the nervous system (PMID: 26633542). ClinVar contains an entry for this variant (Variation ID: 214190). For these reasons, this variant has been classified as Pathogenic.

Literature cited by the submitters: PubMed 21681116 (cited by Labcorp Genetics (formerly Invitae), Labcorp); PubMed 27551684 (cited by Labcorp Genetics (formerly Invitae), Labcorp); PubMed 31455392 (cited by Labcorp Genetics (formerly Invitae), Labcorp); PubMed 26633542 (cited by Labcorp Genetics (formerly Invitae), Labcorp).